The following is an entry in ClinVar:

ClinVar aggregate classification (germline): Uncertain significance (1 of 4 stars; one submission).

Conditions:
Carnitine palmitoyltransferase II deficiency. Also called: Carnitine Palmitoyltransferase 2 Deficiency. Identifiers: Orphanet 157, MedGen C0342790, MONDO:0015515.

Allele frequency attached by ClinVar (database versions not stated): gnomAD 0.00001.
gnomAD v4.1: 1 of 1,538,646 alleles (0.000065%); highest among the groups gnomAD compares: Non-Finnish European, 0.000087%; no homozygotes.

Submission:

Labcorp Genetics (formerly Invitae), Labcorp
Classification: Uncertain significance for Carnitine palmitoyltransferase II deficiency. Last evaluated: 2021-02-14. Review status: criteria provided, single submitter. Criteria: Invitae Variant Classification Sherloc (09022015). Collection method: clinical testing. Allele origin: germline.
Comment: This sequence change replaces serine with threonine at codon 48 of the CPT2 protein (p.Ser48Thr). The serine residue is highly conserved and there is a small physicochemical difference between serine and threonine. The frequency data for this variant in the population databases is considered unreliable, as metrics indicate insufficient coverage at this position in the ExAC database. This variant has not been reported in the literature in individuals with CPT2-related conditions. Advanced modeling of protein sequence and biophysical properties (such as structural, functional, and spatial information, amino acid conservation, physicochemical variation, residue mobility, and thermodynamic stability) performed at Invitae indicates that this missense variant is not expected to disrupt CPT2 protein function. In summary, the available evidence is currently insufficient to determine the role of this variant in disease. Therefore, it has been classified as a Variant of Uncertain Significance.

NM_000098.3(CPT2):c.143G>C (p.Ser48Thr)

Genes: CPT2 (carnitine palmitoyltransferase 2; plus strand), LOC129930561 (ATAC-STARR-seq lymphoblastoid silent region 902; plus strand). Cytogenetic location: 1p32.3.
Variant type: single nucleotide variant.
Coding change: c.143G>C on transcript NM_000098.3 (MANE Select); coding-DNA position 143, G replaced by C.
Protein change: p.Ser48Thr; replaces serine 48 with threonine.
Molecular consequence: missense variant.
Genome position (GRCh38, 1-based): chr1:53,197,086, G>C. VCF-style: chr1-53197086-G-C. GRCh37 (hg19) VCF-style: chr1-53662758-G-C.
Other names: c.143G>C, p.Ser48Thr (NM_001330589.2); short protein forms S48T.
Identifiers: ClinVar variation 1509901 (VCV001509901.8), dbSNP rs1250983045, ClinGen allele CA340388841.